The following is an entry in ClinVar:

NM_016239.4(MYO15A):c.4482+6G>A

Gene: MYO15A (myosin XVA; plus strand). Cytogenetic location: 17p11.2.
Variant type: single nucleotide variant.
Coding change: c.4482+6G>A on transcript NM_016239.4 (MANE Select); 6 bases into the intron after coding-DNA position 4482, G replaced by A.
Molecular consequence: intron variant.
Genome position (GRCh38, 1-based): chr17:18,133,392, G>A. VCF-style: chr17-18133392-G-A. GRCh37 (hg19) VCF-style: chr17-18036706-G-A.
Identifiers: ClinVar variation 1914099 (VCV001914099.5), dbSNP rs770828063, ClinGen allele CA8423892.
Genomic context (GRCh38, chr17:18,133,392, plus strand): 5'-CCGCATCCTGGCCTCCATCCTGCACCTGGGCAACGTCTACTTTGAGAAGTATGAGGTGAG[G>A]GGACGCCACAGCCTGCCATGGGGCCCGCACCCTCTGGACTTGGCCGTCTTTTCCAAGGCC-3'

ClinVar aggregate classification (germline): Uncertain significance (1 of 4 stars; one submission).

Allele frequency attached by ClinVar (database versions not stated): gnomAD exomes below 0.00001; TOPMed below 0.00001; ExAC 0.00001.
gnomAD v4.1: 3 of 1,613,862 alleles (0.00019%); highest among the groups gnomAD compares: Admixed American, 0.0033%; no homozygotes.

Submission:

Labcorp Genetics (formerly Invitae), Labcorp
Classification: Uncertain significance. Last evaluated: 2024-11-18. Review status: criteria provided, single submitter. Criteria: Invitae Variant Classification Sherloc (09022015). Collection method: clinical testing. Allele origin: germline.
Comment: This sequence change falls in intron 12 of the MYO15A gene. It does not directly change the encoded amino acid sequence of the MYO15A protein. It affects a nucleotide within the consensus splice site. This variant is present in population databases (rs770828063, gnomAD 0.0009%). This variant has not been reported in the literature in individuals affected with MYO15A-related conditions. ClinVar contains an entry for this variant (Variation ID: 1914099). Variants that disrupt the consensus splice site are a relatively common cause of aberrant splicing (PMID: 17576681, 9536098). Algorithms developed to predict the effect of sequence changes on RNA splicing suggest that this variant is not likely to affect RNA splicing. In summary, the available evidence is currently insufficient to determine the role of this variant in disease. Therefore, it has been classified as a Variant of Uncertain Significance.

Literature cited by the submitters: PubMed 17576681; PubMed 9536098.